The following is an entry in ClinVar:

NM_213599.3(ANO5):c.1438_1439insGTG (p.Ala479_Val480insGly)

Gene: ANO5 (anoctamin 5; plus strand). Cytogenetic location: 11p14.3.
Variant type: Insertion.
Coding change: c.1438_1439insGTG on transcript NM_213599.3 (MANE Select); coding-DNA positions 1438 to 1439, GTG inserted.
Protein change: p.Ala479_Val480insGly.
Molecular consequence: inframe insertion.
Genome position: GRCh38 VCF-style: chr11-22259547-C-CTGG. GRCh37 (hg19) VCF-style: chr11-22281093-C-CTGG.
Other names: c.1435_1436insGTG, p.Ala478_Val479insGly (NM_001142649.2).
Identifiers: ClinVar variation 283748 (VCV000283748.10), dbSNP rs886042702, ClinGen allele CA10604583.

ClinVar aggregate classification (germline): Uncertain significance. Review status: criteria provided, multiple submitters, no conflicts (2 of 4 stars). 2 submissions from 2 submitters: Uncertain significance (2). Last evaluated 2021-11-04.

Conditions:
Gnathodiaphyseal dysplasia (GDD). Also called: GNATHODIAPHYSEAL SCLEROSIS; OSTEOGENESIS IMPERFECTA WITH UNUSUAL SKELETAL LESIONS. Identifiers: Orphanet 53697, MedGen C1833736, MONDO:0008151, OMIM 166260.
Autosomal recessive limb-girdle muscular dystrophy type 2L (LGMDR12). Also called: Limb-girdle muscular dystrophy, type 2L; Limb-Girdle Muscular Dystrophy R12 Anoctamin-5-Related (LGMD-R12); MUSCULAR DYSTROPHY, LIMB-GIRDLE, AUTOSOMAL RECESSIVE 12. Identifiers: Orphanet 206549, MedGen C1969785, MONDO:0012652, OMIM 611307.

Submissions (2):

Labcorp Genetics (formerly Invitae), Labcorp
Classification: Uncertain significance for Autosomal recessive limb-girdle muscular dystrophy type 2L; Gnathodiaphyseal dysplasia. Last evaluated: 2021-11-04. Review status: criteria provided, single submitter. Criteria: Invitae Variant Classification Sherloc (09022015). Collection method: clinical testing. Allele origin: germline.
Comment: This variant, c.1438_1439insGTG, results in the insertion of 1 amino acid(s) of the ANO5 protein (p.Ala479_Val480insGly), but otherwise preserves the integrity of the reading frame. This variant is not present in population databases (gnomAD no frequency). This variant has not been reported in the literature in individuals affected with ANO5-related conditions. ClinVar contains an entry for this variant (Variation ID: 283748). Experimental studies and prediction algorithms are not available or were not evaluated, and the functional significance of this variant is currently unknown. In summary, the available evidence is currently insufficient to determine the role of this variant in disease. Therefore, it has been classified as a Variant of Uncertain Significance.

Eurofins Ntd Llc (ga)
Classification: Uncertain significance. Last evaluated: 2015-10-02. Review status: criteria provided, single submitter. Criteria: EGL Classification Definitions 2015. Collection method: clinical testing. Allele origin: germline. Observed: 1 variant allele, 1 heterozygote.